The following is an entry in ClinVar:

ClinVar aggregate classification (germline): Uncertain significance. Review status: criteria provided, multiple submitters, no conflicts (2 of 4 stars). 5 submissions from 5 submitters: Uncertain significance (4). 1 of the submissions does not count toward it. Last evaluated 2023-09-25.

Conditions:
Inborn genetic diseases. Identifiers: MedGen C0950123, MeSH D030342.
Nemaline myopathy 2 (NEM2). Also called: Nemaline myopathy 2, autosomal recessive. Identifiers: MedGen C1850569, MONDO:0009725, OMIM 256030.

Allele frequency attached by ClinVar (database versions not stated): gnomAD exomes 0.00001; TOPMed 0.00002; gnomAD 0.00004; ExAC 0.00005.
gnomAD v4.1: 25 of 1,584,600 alleles (0.0016%); highest among the groups gnomAD compares: Non-Finnish European, 0.0021%; no homozygotes.

Submissions (5):

Ambry Genetics
Classification: Uncertain significance for Inborn genetic diseases. Last evaluated: 2023-09-25. Review status: criteria provided, single submitter. Criteria: Ambry Variant Classification Scheme 2023. Collection method: clinical testing. Allele origin: germline.

Labcorp Genetics (formerly Invitae), Labcorp
Classification: Uncertain significance for Nemaline myopathy 2. Last evaluated: 2021-08-24. Review status: criteria provided, single submitter. Criteria: Invitae Variant Classification Sherloc (09022015). Collection method: clinical testing. Allele origin: germline.
Comment: This sequence change replaces arginine with histidine at codon 8390 of the NEB protein (p.Arg8390His). The arginine residue is moderately conserved and there is a small physicochemical difference between arginine and histidine. This variant is present in population databases (rs778972474, ExAC 0.009%). This variant has not been reported in the literature in individuals affected with NEB-related conditions. Algorithms developed to predict the effect of missense changes on protein structure and function are either unavailable or do not agree on the potential impact of this missense change (SIFT: "Deleterious"; PolyPhen-2: "Not Available"; Align-GVGD: "Class C0"). In summary, the available evidence is currently insufficient to determine the role of this variant in disease. Therefore, it has been classified as a Variant of Uncertain Significance.

Revvity Omics, Revvity
Classification: Uncertain significance. Last evaluated: 2019-09-17. Review status: criteria provided, single submitter. Criteria: ACMG Guidelines, 2015. Collection method: clinical testing. Allele origin: germline.

Illumina Laboratory Services, Illumina
Classification: Uncertain significance for Nemaline myopathy 2. Last evaluated: 2018-01-13. Review status: criteria provided, single submitter. Criteria: ICSL Variant Classification Criteria 13 December 2019. Collection method: clinical testing. Allele origin: germline.

Natera, Inc.
Classification: Uncertain significance for Nemaline myopathy type 2. Last evaluated: 2019-11-11. Review status: no assertion criteria provided. Collection method: clinical testing. Allele origin: germline. Not counted in ClinVar's aggregate classification.

NM_001164508.2(NEB):c.25064G>A (p.Arg8355His)

Genes: NEB (nebulin; minus strand), RIF1 (replication timing regulatory factor 1; plus strand). Cytogenetic location: 2q23.3.
Variant type: single nucleotide variant.
Coding change: c.25064G>A on transcript NM_001164508.2 (MANE Select); coding-DNA position 25064, G replaced by A.
Protein change: p.Arg8355His; replaces arginine 8355 with histidine.
Molecular consequence: missense variant.
Genome position (GRCh38, 1-based): chr2:151,491,769, C>T on the plus strand (G>A on the coding strand, the complement: NEB is on the minus strand). VCF-style: chr2-151491769-C-T. GRCh37 (hg19) VCF-style: chr2-152348283-C-T.
Other names: c.25064G>A, p.Arg8355His (NM_001164507.2); c.25169G>A, p.Arg8390His (NM_001271208.2); c.19496G>A, p.Arg6499His (NM_004543.5); short protein forms R8390H, R8355H, R6499H.
Identifiers: ClinVar variation 578867 (VCV000578867.16), dbSNP rs778972474, ClinGen allele CA1905824.